The following is an entry in ClinVar:

ClinVar aggregate classification (germline): Uncertain significance. Review status: criteria provided, multiple submitters, no conflicts (2 of 4 stars). 2 submissions from 2 submitters: Uncertain significance (2). Last evaluated 2024-05-17.

Conditions:
Familial cancer of breast. Also called: hereditary breast carcinoma; BREAST CANCER, FAMILIAL; Hereditary breast cancer. Identifiers: Orphanet 227535, MedGen C0346153, MONDO:0016419, OMIM 114480. Disease mechanism: loss of function.
Hereditary cancer-predisposing syndrome. Also called: Hereditary neoplastic syndrome; Neoplastic Syndromes, Hereditary; Tumor predisposition; Hereditary Cancer Syndrome. Identifiers: Orphanet 140162, MedGen C0027672, MeSH D009386, MONDO:0015356.

Submissions (2):

Ambry Genetics
Classification: Uncertain significance for Hereditary cancer-predisposing syndrome. Last evaluated: 2024-05-17. Review status: criteria provided, single submitter. Criteria: Ambry Variant Classification Scheme 2023. Collection method: clinical testing. Allele origin: germline.
Comment: The p.D230N variant (also known as c.688G>A), located in coding exon 4 of the BARD1 gene, results from a G to A substitution at nucleotide position 688. The aspartic acid at codon 230 is replaced by asparagine, an amino acid with highly similar properties. This amino acid position is conserved. In addition, this alteration is predicted to be tolerated by in silico analysis. Based on the available evidence, the clinical significance of this variant remains unclear.

Labcorp Genetics (formerly Invitae), Labcorp
Classification: Uncertain significance for Familial cancer of breast. Last evaluated: 2019-10-15. Review status: criteria provided, single submitter. Criteria: Invitae Variant Classification Sherloc (09022015). Collection method: clinical testing. Allele origin: germline.
Comment: This sequence change replaces aspartic acid with asparagine at codon 230 of the BARD1 protein (p.Asp230Asn). The aspartic acid residue is moderately conserved and there is a small physicochemical difference between aspartic acid and asparagine. This variant is not present in population databases (ExAC no frequency). This variant has not been reported in the literature in individuals with BARD1-related conditions. Algorithms developed to predict the effect of missense changes on protein structure and function (SIFT, PolyPhen-2, Align-GVGD) all suggest that this variant is likely to be tolerated, but these predictions have not been confirmed by published functional studies and their clinical significance is uncertain. In summary, the available evidence is currently insufficient to determine the role of this variant in disease. Therefore, it has been classified as a Variant of Uncertain Significance.

NM_000465.4(BARD1):c.688G>A (p.Asp230Asn)

Gene: BARD1 (BRCA1 associated RING domain 1; minus strand). Cytogenetic location: 2q35.
Variant type: single nucleotide variant.
Coding change: c.688G>A on transcript NM_000465.4 (MANE Select); coding-DNA position 688, G replaced by A.
Protein change: p.Asp230Asn; replaces aspartic acid 230 with asparagine.
Molecular consequence: missense variant. On other transcripts: non-coding transcript variant (2), intron variant (3).
Genome position (GRCh38, 1-based): chr2:214,781,186, C>T on the plus strand (G>A on the coding strand, the complement: BARD1 is on the minus strand). VCF-style: chr2-214781186-C-T. GRCh37 (hg19) VCF-style: chr2-215645910-C-T.
Other names: c.631G>A, p.Asp211Asn (NM_001282543.2); c.158+28226G>A (NM_001282548.2); c.215+15875G>A (NM_001282545.2); c.364+11111G>A (NM_001282549.2); c.688G>A (NM_000465.2); short protein forms D211N, D230N.
Identifiers: ClinVar variation 939216 (VCV000939216.11), dbSNP rs1574819948, ClinGen allele CA350456404.
Genomic context (GRCh38, chr2:214,781,186, plus strand): 5'-AGATAACAGATGGTTGGCTACAGAAGGATACCAGCTTTTGCTTAGATTCCTCTTTGGAGT[C>T]AAATTCACCATCTTCTTTTTCTGCCTCTAAATTCCATTTTTGGTTGATTTCAGCTAAAGT-3'
Protein context (NP_000456.2, residues 220-240): LEAEKEDGEF[Asp230Asn]SKEESKQKLV